The following is an entry in ClinVar:

NM_006343.3(MERTK):c.22CTG[5] (p.Leu9_Leu10dup)

Gene: MERTK (MER proto-oncogene, tyrosine kinase; plus strand). Cytogenetic location: 2q13.
Variant type: Microsatellite.
Coding change: c.22CTG[5] on transcript NM_006343.3 (MANE Select); five copies in a row of the 3-base unit CTG starting at c.22; the reference has three copies in a row; two copies, 6 bases duplicated.
Protein change: p.Leu9_Leu10dup.
Molecular consequence: inframe insertion.
Genome position (GRCh38, 1-based): chr2:111,898,760-111,898,765, CTGCTG duplicated; duplicating any 6 consecutive bases within chr2:111,898,756-111,898,765 gives the same sequence; the position shown is the placement nearest the transcript's 3' end. VCF-style (leftmost placement, unchanged base first): chr2-111898755-C-CGCTGCT. GRCh37 (hg19) VCF-style: chr2-112656332-C-CGCTGCT.
Identifiers: ClinVar variation 967186 (VCV000967186.10), dbSNP rs766822912, ClinGen allele CA1830943.
Genomic context (GRCh38, chr2:111,898,755, plus strand): 5'-TCCATCCGTCCGGAGAGAAATTACAGATCCGCAGCCCCGGGATGGGGCCGGCCCCGCTGC[C>CGCTGCT]GCTGCTGCTGGGCCTCTTCCTCCCCGCGCTCTGGCGTAGAGGTGAGTGCGCCCGGCTGGG-3'

ClinVar aggregate classification (germline): Uncertain significance. Review status: criteria provided, multiple submitters, no conflicts (2 of 4 stars). 2 submissions from 2 submitters: Uncertain significance (2). Last evaluated 2021-05-06.

Submissions (2):

Labcorp Genetics (formerly Invitae), Labcorp
Classification: Uncertain significance. Last evaluated: 2021-05-06. Review status: criteria provided, single submitter. Criteria: Invitae Variant Classification Sherloc (09022015). Collection method: clinical testing. Allele origin: germline.
Comment: In summary, the available evidence is currently insufficient to determine the role of this variant in disease. Therefore, it has been classified as a Variant of Uncertain Significance. This variant has not been reported in the literature in individuals with MERTK-related conditions. Experimental studies and prediction algorithms are not available or were not evaluated, and the functional significance of this variant is currently unknown. This variant is present in population databases (rs766822912, ExAC 0.009%). This variant, c.25_30dup, results in the insertion of 2 amino acid(s) to the MERTK protein (p.Leu9_Leu10dup), but otherwise preserves the integrity of the reading frame.

Blueprint Genetics
Classification: Uncertain significance. Last evaluated: 2019-07-05. Review status: criteria provided, single submitter. Criteria: ACMG Guidelines, 2015. Collection method: clinical testing. Allele origin: germline.